The following is an entry in ClinVar:

NM_020686.6(ABAT):c.1031G>A (p.Trp344Ter)

Gene: ABAT (4-aminobutyrate aminotransferase; plus strand). Cytogenetic location: 16p13.2.
Variant type: single nucleotide variant.
Coding change: c.1031G>A on transcript NM_020686.6 (MANE Select); coding-DNA position 1031, G replaced by A.
Protein change: p.Trp344Ter; replaces tryptophan 344 with a stop codon.
Molecular consequence: nonsense.
Genome position (GRCh38, 1-based): chr16:8,774,966, G>A. VCF-style: chr16-8774966-G-A. GRCh37 (hg19) VCF-style: chr16-8868823-G-A.
Other names: c.1031G>A, p.Trp344Ter (NM_000663.5, NM_001127448.2, NM_001386600.1 and 6 more transcripts); c.992G>A, p.Trp331Ter (NM_001386605.1); c.968G>A, p.Trp323Ter (NM_001386606.1, NM_001386607.1); c.938G>A, p.Trp313Ter (NM_001386608.1); c.896G>A, p.Trp299Ter (NM_001386610.1, NM_001386611.1); c.833G>A, p.Trp278Ter (NM_001386612.1, NM_001386613.1); c.785G>A, p.Trp262Ter (NM_001386614.1); c.1127G>A, p.Trp376Ter (NM_001386615.1); short protein forms W262*, W278*, W299*, W313*, W323*, W331*, W344*, W376*.
Identifiers: ClinVar variation 3376949 (VCV003376949.3).

ClinVar aggregate classification (germline): Pathogenic (1 of 4 stars; one submission).

Conditions:
Gamma-aminobutyric acid transaminase deficiency (GABATD). Also called: GABA transaminase deficiency; Gamma aminobutyrate transaminase deficiency; 4 alpha aminobutyrate transaminase deficiency; GABA aminotransaminase deficiency. Identifiers: Orphanet 2066, MedGen C0342708, MONDO:0013166, OMIM 613163.

gnomAD v4.1: 5 of 1,614,178 alleles (0.00031%); highest among the groups gnomAD compares: Non-Finnish European, 0.00042%; no homozygotes.

Submission:

Victorian Clinical Genetics Services, Murdoch Childrens Research Institute
Classification: Pathogenic for Gamma-aminobutyric acid transaminase deficiency. Last evaluated: 2025-06-24. Review status: criteria provided, single submitter. Criteria: ACMG Guidelines, 2015. Collection method: clinical testing. Allele origin: germline. Affected: yes.
Comment: This variant is classified as Pathogenic. Evidence in support of pathogenic classification: Variant is predicted to cause nonsense-mediated decay (NMD) and loss of protein (premature termination codon is located at least 54 nucleotides upstream of the final exon-exon junction); Variant is absent from gnomAD (both v2 and v3); Other NMD-predicted variants comparable to the one identified in this case have very strong previous evidence for pathogenicity (ClinVar, DECIPHER, PMID: 27903293). Additional information: This gene is associated with autosomal recessive disease; This variant has no previous evidence of pathogenicity; No published segregation evidence has been identified for this variant; Loss of function is a known mechanism of disease in this gene and is associated with GABA-transaminase deficiency (MIM#613163) (PMID:27903293); Heterozygous variant detected in trans with a LIKELY PATHOGENIC heterozygous variant (NM_020686.6(ABAT):c.1172T>C; p.(Leu391Ser)) in a recessive disease.

Literature cited by the submitters: PubMed 27903293.